The following is an entry in ClinVar:

ClinVar aggregate classification (germline): Uncertain significance (1 of 4 stars; one submission).

Conditions:
Inosine triphosphatase deficiency. Also called: INOSINE TRIPHOSPHATE PYROPHOSPHOHYDROLASE DEFICIENCY. Identifiers: MedGen C0342800, MONDO:0013461, OMIM 613850.

Allele frequency attached by ClinVar (database versions not stated): gnomAD exomes below 0.00001; TOPMed below 0.00001; ExAC 0.00001.
gnomAD v4.1: 4 of 1,613,694 alleles (0.00025%); highest among the groups gnomAD compares: East Asian, 0.0045%; no homozygotes.

Submission:

Labcorp Genetics (formerly Invitae), Labcorp
Classification: Uncertain significance for Inosine triphosphatase deficiency. Last evaluated: 2024-04-01. Review status: criteria provided, single submitter. Criteria: Invitae Variant Classification Sherloc (09022015). Collection method: clinical testing. Allele origin: germline.
Comment: This sequence change replaces glutamic acid, which is acidic and polar, with aspartic acid, which is acidic and polar, at codon 98 of the ITPA protein (p.Glu98Asp). This variant is present in population databases (rs763279021, gnomAD 0.006%). This variant has not been reported in the literature in individuals affected with ITPA-related conditions. ClinVar contains an entry for this variant (Variation ID: 664794). An algorithm developed to predict the effect of missense changes on protein structure and function (PolyPhen-2) suggests that this variant is likely to be tolerated. Algorithms developed to predict the effect of sequence changes on RNA splicing suggest that this variant may disrupt the consensus splice site. In summary, the available evidence is currently insufficient to determine the role of this variant in disease. Therefore, it has been classified as a Variant of Uncertain Significance.

NM_033453.4(ITPA):c.294A>C (p.Glu98Asp)

Gene: ITPA (inosine triphosphatase; plus strand). Cytogenetic location: 20p13.
Variant type: single nucleotide variant.
Coding change: c.294A>C on transcript NM_033453.4 (MANE Select); coding-DNA position 294, A replaced by C.
Protein change: p.Glu98Asp; replaces glutamic acid 98 with aspartic acid.
Molecular consequence: missense variant. On other transcripts: 5 prime UTR variant (4), non-coding transcript variant (2).
Genome position (GRCh38, 1-based): chr20:3,215,311, A>C. VCF-style: chr20-3215311-A-C. GRCh37 (hg19) VCF-style: chr20-3195957-A-C.
Other names: c.171A>C, p.Glu57Asp (NM_001267623.2); c.-44A>C (NM_001324236.2, NM_001324237.2, NM_001324238.2 and 1 more transcripts); c.294A>C, p.Glu98Asp (NM_001324240.2); c.243A>C, p.Glu81Asp (NM_181493.4); short protein forms E98D, E57D, E81D.
Identifiers: ClinVar variation 664794 (VCV000664794.9), dbSNP rs763279021, ClinGen allele CA9741253.